The following is an entry in ClinVar:

NM_033116.6(NEK9):c.379G>A (p.Glu127Lys)

Gene: NEK9 (NIMA related kinase 9; minus strand). Cytogenetic location: 14q24.3.
Variant type: single nucleotide variant.
Coding change: c.379G>A on transcript NM_033116.6 (MANE Select); coding-DNA position 379, G replaced by A.
Protein change: p.Glu127Lys; replaces glutamic acid 127 with lysine.
Molecular consequence: missense variant.
Genome position (GRCh38, 1-based): chr14:75,124,064, C>T on the plus strand (G>A on the coding strand, the complement: NEK9 is on the minus strand). VCF-style: chr14-75124064-C-T. GRCh37 (hg19) VCF-style: chr14-75590767-C-T.
Other names: c.379G>A, p.Glu127Lys (NM_001329237.2); c.25G>A, p.Glu9Lys (NM_001329238.2); short protein forms E9K, E127K.
Identifiers: ClinVar variation 3404258 (VCV003404258.2).

ClinVar aggregate classification (germline): Uncertain significance. Review status: criteria provided, multiple submitters, no conflicts (2 of 4 stars). 2 submissions from 2 submitters: Uncertain significance (2). Last evaluated 2026-04-05.

Conditions:
Inborn genetic diseases. Identifiers: MedGen C0950123, MeSH D030342.

gnomAD v4.1: 11 of 1,612,554 alleles (0.00068%); highest among the groups gnomAD compares: Non-Finnish European, 0.00093%; no homozygotes.

Submissions (2):

GeneDx
Classification: Uncertain significance. Last evaluated: 2026-04-05. Review status: criteria provided, single submitter. Criteria: GeneDx Variant Classification Process June 2021. Collection method: clinical testing. Allele origin: germline.
Comment: In silico analysis suggests that this missense variant does not alter protein structure/function; Has not been previously published as pathogenic or benign to our knowledge

Ambry Genetics
Classification: Uncertain significance for Inborn genetic diseases. Last evaluated: 2024-12-03. Review status: criteria provided, single submitter. Criteria: Ambry Variant Classification Scheme 2023. Collection method: clinical testing. Allele origin: germline.